The following is an entry in ClinVar:

ClinVar aggregate classification (germline): Uncertain significance (1 of 4 stars; one submission).

Submission:

ISCA site 4
Classification: Uncertain significance. Last evaluated: 2011-08-12. Review status: criteria provided, single submitter. Criteria: Kaminsky et al. (Genet Med. 2011). Collection method: clinical testing. Allele origin: unknown. Affected: yes. Observed: 1 variant allele.
Comment: Copy number variation identified through the course of routine clinical cytogenomic testing in postnatal populations. Clinical assertions have been curated as described in Kaminsky et al. 2011.

GRCh38/hg38 9q34.3(chr9:138041609-138100328)x3

Genes: CACNA1B (calcium voltage-gated channel subunit alpha1 B; plus strand), LOC101928786 (uncharacterized LOC101928786; minus strand). Cytogenetic location: 9q34.3.
Variant type: copy number gain.
Change: copy number 3 (three copies instead of two) of chr9:138,041,609-138,100,328 (58.7 kb, GRCh38 coordinates, 1-based), cytogenetic band 9q34.3.
Identifiers: ClinVar variation 57344 (VCV000057344.1).